The following is an entry in ClinVar:

ClinVar aggregate classification (germline): Uncertain significance (1 of 4 stars; one submission).

Submission:

Labcorp Genetics (formerly Invitae), Labcorp
Classification: Uncertain significance. Last evaluated: 2021-10-19. Review status: criteria provided, single submitter. Criteria: Invitae Variant Classification Sherloc (09022015). Collection method: clinical testing. Allele origin: germline.
Comment: This variant has not been reported in the literature in individuals affected with HMCN1-related conditions. In summary, the available evidence is currently insufficient to determine the role of this variant in disease. Therefore, it has been classified as a Variant of Uncertain Significance. Algorithms developed to predict the effect of missense changes on protein structure and function are either unavailable or do not agree on the potential impact of this missense change (SIFT: "Not Available"; PolyPhen-2: "Probably Damaging"; Align-GVGD: "Not Available"). Information on the frequency of this variant in the gnomAD database is not available, as this variant may be reported differently in the database. This sequence change replaces proline, a(n) neutral and non-polar amino acid, with valine, a(n) neutral and non-polar amino acid, at codon 4349 of the HMCN1 protein (p.Pro4349Val).

NM_031935.3(HMCN1):c.13045_13046delinsGT (p.Pro4349Val)

Gene: HMCN1 (hemicentin 1; plus strand). Cytogenetic location: 1q31.1.
Variant type: Indel.
Coding change: c.13045_13046delinsGT on transcript NM_031935.3 (MANE Select); coding-DNA positions 13045 to 13046, CC replaced by GT.
Protein change: p.Pro4349Val; replaces proline 4349 with valine.
Molecular consequence: missense variant.
Genome position (GRCh38, 1-based): chr1:186,130,512-186,130,513, CC replaced by GT. VCF-style: chr1-186130512-CC-GT. GRCh37 (hg19) VCF-style: chr1-186099644-CC-GT.
Other names: short protein forms P4349V.
Identifiers: ClinVar variation 1387861 (VCV001387861.6), dbSNP rs2102516381, ClinGen allele CA2573131460.